The following is an entry in ClinVar:

ClinVar aggregate classification (germline): Uncertain significance (1 of 4 stars; one submission).

Conditions:
Hereditary spastic paraplegia 11. Also called: Autosomal recessive hereditary spastic paraplegia, mental impairment, and thin corpus callosum; SPASTIC PARAPLEGIA, AUTOSOMAL RECESSIVE, COMPLICATED, WITH THIN CORPUS CALLOSUM; SPASTIC PARAPLEGIA, AUTOSOMAL RECESSIVE, WITH MENTAL IMPAIRMENT AND THIN CORPUS CALLOSUM; Spastic paraplegia, mental retardation and thin corpus callosum; Spastic Paraplegia 11; Nakamura Osame syndrome. Identifiers: Orphanet 2822, MedGen C1858479, MONDO:0011445, OMIM 604360.

Allele frequency attached by ClinVar (database versions not stated): gnomAD exomes below 0.00001.
gnomAD v4.1: 1 of 1,614,204 alleles (0.000062%); highest among the groups gnomAD compares: Admixed American, 0.0017%; no homozygotes.

Submission:

Labcorp Genetics (formerly Invitae), Labcorp
Classification: Uncertain significance for Hereditary spastic paraplegia 11. Last evaluated: 2023-07-02. Review status: criteria provided, single submitter. Criteria: Invitae Variant Classification Sherloc (09022015). Collection method: clinical testing. Allele origin: germline.
Comment: This sequence change replaces aspartic acid, which is acidic and polar, with asparagine, which is neutral and polar, at codon 408 of the SPG11 protein (p.Asp408Asn). In summary, the available evidence is currently insufficient to determine the role of this variant in disease. Therefore, it has been classified as a Variant of Uncertain Significance. Advanced modeling of protein sequence and biophysical properties (such as structural, functional, and spatial information, amino acid conservation, physicochemical variation, residue mobility, and thermodynamic stability) performed at Invitae indicates that this missense variant is not expected to disrupt SPG11 protein function. ClinVar contains an entry for this variant (Variation ID: 1477545). This variant has not been reported in the literature in individuals affected with SPG11-related conditions. This variant is present in population databases (no rsID available, gnomAD 0.003%).

NM_025137.4(SPG11):c.1222G>A (p.Asp408Asn)

Gene: SPG11 (SPG11 vesicle trafficking associated, spatacsin; minus strand). Cytogenetic location: 15q21.1.
Variant type: single nucleotide variant.
Coding change: c.1222G>A on transcript NM_025137.4 (MANE Select); coding-DNA position 1222, G replaced by A.
Protein change: p.Asp408Asn; replaces aspartic acid 408 with asparagine.
Molecular consequence: missense variant.
Genome position (GRCh38, 1-based): chr15:44,651,725, C>T on the plus strand (G>A on the coding strand, the complement: SPG11 is on the minus strand). VCF-style: chr15-44651725-C-T. GRCh37 (hg19) VCF-style: chr15-44943923-C-T.
Other names: c.1222G>A, p.Asp408Asn (NM_001160227.2); short protein forms D408N.
Identifiers: ClinVar variation 1477545 (VCV001477545.4), dbSNP rs1410107862, ClinGen allele CA392236319.
Genomic context (GRCh38, chr15:44,651,725, plus strand): 5'-TAAGCTCTATGGGTTCCTCTTGTTCACTGATGTGCATTATTTTCCATGATCTTCCTGGAT[C>T]ACTGGTCTTGGCATGATCTTTCTGTAGAACATTATATTGCCCATGCATTATGTCCTGTGG-3'
Protein context (NP_079413.3, residues 398-418): VLQKDHAKTS[Asp408Asn]PGRSWKIMHI